The following is an entry in ClinVar:

ClinVar aggregate classification (germline): Uncertain significance (1 of 4 stars; one submission).

Submission:

Labcorp Genetics (formerly Invitae), Labcorp
Classification: Uncertain significance. Last evaluated: 2023-08-11. Review status: criteria provided, single submitter. Criteria: Invitae Variant Classification Sherloc (09022015). Collection method: clinical testing. Allele origin: germline.
Comment: In summary, the available evidence is currently insufficient to determine the role of this variant in disease. Therefore, it has been classified as a Variant of Uncertain Significance. An algorithm developed to predict the effect of missense changes on protein structure and function (PolyPhen-2) suggests that this variant is likely to be disruptive. This variant has not been reported in the literature in individuals affected with FGFRL1-related conditions. This variant is not present in population databases (gnomAD no frequency). This sequence change replaces arginine, which is basic and polar, with proline, which is neutral and non-polar, at codon 76 of the FGFRL1 protein (p.Arg76Pro).

NM_001004356.3(FGFRL1):c.227G>C (p.Arg76Pro)

Gene: FGFRL1 (fibroblast growth factor receptor like 1; plus strand). Cytogenetic location: 4p16.3.
Variant type: single nucleotide variant.
Coding change: c.227G>C on transcript NM_001004356.3 (MANE Select); coding-DNA position 227, G replaced by C.
Protein change: p.Arg76Pro; replaces arginine 76 with proline.
Molecular consequence: missense variant.
Genome position (GRCh38, 1-based): chr4:1,022,350, G>C. VCF-style: chr4-1022350-G-C. GRCh37 (hg19) VCF-style: chr4-1016138-G-C.
Other names: c.227G>C, p.Arg76Pro (NM_001004358.1, NM_001370296.1, NM_021923.3); short protein forms R76P.
Identifiers: ClinVar variation 2818784 (VCV002818784.3), dbSNP rs775138464, ClinGen allele CA355928921.